The following is an entry in ClinVar:

ClinVar aggregate classification (germline): Pathogenic (1 of 4 stars; one submission).

Conditions:
Microcephaly 5, primary, autosomal recessive (MCPH5). Also called: ASPM Primary Microcephaly. Identifiers: Orphanet 2512, MedGen C1837501, MONDO:0012106, OMIM 608716.

gnomAD v4.1: 6 of 1,611,892 alleles (0.00037%); highest among the groups gnomAD compares: African/African-American, 0.0027%; no homozygotes.

Submission:

Juno Genomics, Hangzhou Juno Genomics, Inc
Classification: Pathogenic for Microcephaly 5, primary, autosomal recessive. Review status: criteria provided, single submitter. Criteria: ACMG Guidelines, 2015. Collection method: clinical testing. Allele origin: germline. Affected: yes.
Comment: Null variant in a gene where loss of function (LOF) is a known mechanism of disease.;Absent from controls (or at extremely low frequency if recessive) in Genome Aggregation Database, Exome Sequencing Project, 1000 Genomes Project, or Exome Aggregation Consortium.;For recessive disorders, detected in trans with a pathogenic variant.

NM_018136.5(ASPM):c.8227C>T (p.Arg2743Ter)

Gene: ASPM (assembly factor for spindle microtubules; minus strand). Cytogenetic location: 1q31.3.
Variant type: single nucleotide variant.
Coding change: c.8227C>T on transcript NM_018136.5 (MANE Select); coding-DNA position 8227, C replaced by T.
Protein change: p.Arg2743Ter; replaces arginine 2743 with a stop codon.
Molecular consequence: nonsense. On other transcripts: intron variant (1).
Genome position (GRCh38, 1-based): chr1:197,101,024, G>A on the plus strand (C>T on the coding strand, the complement: ASPM is on the minus strand). VCF-style: chr1-197101024-G-A. GRCh37 (hg19) VCF-style: chr1-197070154-G-A.
Other names: c.4066-4860C>T (NM_001206846.2); short protein forms R2743*.
Identifiers: ClinVar variation 3382130 (VCV003382130.2).